The following is an entry in ClinVar:

ClinVar aggregate classification (germline): Conflicting classifications of pathogenicity. Review status: criteria provided, conflicting classifications (1 of 4 stars). 2 submissions from 2 submitters: Uncertain significance (1); Likely benign (1). Last evaluated 2025-11-05.

Conditions:
Cardiovascular phenotype. Identifiers: MedGen CN230736.
LMF1-related disorder. Also called: LMF1-related condition.

Allele frequency attached by ClinVar (database versions not stated): gnomAD 0.00002; TOPMed 0.00003; ExAC 0.00005.
gnomAD v4.1: 54 of 1,584,870 alleles (0.0034%); highest among the groups gnomAD compares: Middle Eastern, 0.02%; no homozygotes.

Submissions (2):

PreventionGenetics, part of Exact Sciences
Classification: Uncertain significance for LMF1-related condition. Last evaluated: 2025-11-05. Review status: criteria provided, single submitter. Criteria: ACMG Guidelines, 2015. Collection method: clinical testing. Allele origin: germline.
Comment: The LMF1 c.1077C>T variant is not predicted to result in an amino acid change (p.=). This variant has been reported in a study of individuals undergoing genetic testing for hypertriglyceridemia (Table S2, Deshotels et al. 2022. PubMed ID: 36325899). This variant is reported in 0.0096% of alleles in individuals of Latino descent in gnomAD. Although we suspect that this variant may be benign, at this time, the clinical significance of this variant is uncertain due to the absence of conclusive functional and genetic evidence.

Ambry Genetics
Classification: Likely benign for Cardiovascular phenotype. Last evaluated: 2022-02-17. Review status: criteria provided, single submitter. Criteria: Ambry Variant Classification Scheme 2023. Collection method: clinical testing. Allele origin: germline.

NM_022773.4(LMF1):c.1077C>T (p.Phe359=)

Gene: LMF1 (lipase maturation factor 1; minus strand). Cytogenetic location: 16p13.3.
Variant type: single nucleotide variant.
Coding change: c.1077C>T on transcript NM_022773.4 (MANE Select); coding-DNA position 1077, C replaced by T.
Protein change: p.Phe359=; no amino-acid change (phenylalanine 359 retained).
Molecular consequence: synonymous variant. On other transcripts: non-coding transcript variant (1).
Genome position (GRCh38, 1-based): chr16:871,162, G>A on the plus strand (C>T on the coding strand, the complement: LMF1 is on the minus strand). VCF-style: chr16-871162-G-A. GRCh37 (hg19) VCF-style: chr16-921162-G-A.
Other names: c.426C>T, p.Phe142= (NM_001352017.2, NM_001352021.2); c.678C>T, p.Phe226= (NM_001352018.2); c.750C>T, p.Phe250= (NM_001352019.2); c.1077C>T, p.Phe359= (NM_001352020.1).
Identifiers: ClinVar variation 1785190 (VCV001785190.3), dbSNP rs751616447, ClinGen allele CA7797223.